The following is an entry in ClinVar:

NM_001352514.2(HLCS):c.2362G>A (p.Val788Met)

Gene: HLCS (holocarboxylase synthetase; minus strand). Cytogenetic location: 21q22.13.
Variant type: single nucleotide variant.
Coding change: c.2362G>A on transcript NM_001352514.2 (MANE Select); coding-DNA position 2362, G replaced by A.
Protein change: p.Val788Met; replaces valine 788 with methionine.
Molecular consequence: missense variant. On other transcripts: non-coding transcript variant (2).
Genome position (GRCh38, 1-based): chr21:36,756,630, C>T on the plus strand (G>A on the coding strand, the complement: HLCS is on the minus strand). VCF-style: chr21-36756630-C-T. GRCh37 (hg19) VCF-style: chr21-38128931-C-T.
Other names: c.1921G>A, p.Val641Met (NM_000411.8, NM_001242784.3, NM_001242785.2 and 4 more transcripts); short protein forms V641M, V788M.
Identifiers: ClinVar variation 203755 (VCV000203755.41), dbSNP rs150665851, ClinGen allele CA312598.
Genomic context (GRCh38, chr21:36,756,630, plus strand): 5'-GAAGGACGCTGTTGGGCCCTTTGTCCTGAAACTCTTTGATCAGTTTCTCCAGCACAGTCA[C>T]GACTCTGGCGATGAGATAATCGGCTCTTAAGGGCTTCAGTTCTGCCTTGTGTTGTTTATT-3'
Protein context (NP_001339443.1, residues 778-798): LRADYLIARV[Val788Met]TVLEKLIKEF

ClinVar aggregate classification (germline): Benign/Likely benign. Review status: criteria provided, multiple submitters, no conflicts (2 of 4 stars). 5 submissions from 5 submitters: Benign (2); Likely benign (3). Last evaluated 2026-07-01.

Conditions:
Holocarboxylase synthetase deficiency. Also called: MULTIPLE CARBOXYLASE DEFICIENCY, EARLY ONSET. Identifiers: Orphanet 79242, MedGen C0268581, MONDO:0009666, OMIM 253270.

Allele frequency attached by ClinVar (database versions not stated): ESP Exome Variant Server 0.00315; gnomAD 0.00359 and 0.00392; gnomAD exomes 0.00429 and 0.00449; ExAC 0.00479; 1000 Genomes Project 0.00200; 1000 Genomes Project 30x 0.00203; TOPMed 0.00281.
gnomAD v4.1: 6,823 of 1,614,128 alleles (0.42%); highest among the groups gnomAD compares: Non-Finnish European, 0.42%; 22 homozygotes.

Submissions (5):

CeGaT Center for Human Genetics Tuebingen
Classification: Likely benign. Last evaluated: 2026-07-01. Review status: criteria provided, single submitter. Criteria: CeGaT Center For Human Genetics Tuebingen Variant Classification Criteria Version 2. Collection method: clinical testing. Allele origin: germline. Affected: yes. Observed: 7 variant alleles.
Comment: HLCS: BS2

Labcorp Genetics (formerly Invitae), Labcorp
Classification: Benign for Holocarboxylase synthetase deficiency. Last evaluated: 2026-02-02. Review status: criteria provided, single submitter. Criteria: Invitae Variant Classification Sherloc (09022015). Collection method: clinical testing. Allele origin: germline.

Illumina Laboratory Services, Illumina
Classification: Benign for Holocarboxylase synthetase deficiency. Last evaluated: 2017-04-27. Review status: criteria provided, single submitter. Criteria: ICSL Variant Classification Criteria 13 December 2019. Collection method: clinical testing. Allele origin: germline.
Comment: This variant was observed as part of a predisposition screen in an ostensibly healthy population. A literature search was performed for the gene, cDNA change, and amino acid change (where applicable). No publications were found based on this search. Allele frequency data from public databases was too high to be consistent with this variant causing disease. Therefore, this variant is classified as benign.

Center for Pediatric Genomic Medicine, Children's Mercy Hospital and Clinics
Classification: Likely benign. Last evaluated: 2017-01-09. Review status: criteria provided, single submitter. Criteria: ACMG Guidelines, 2015. Collection method: clinical testing. Allele origin: germline.
ClinVar note: Converted during submission from Likely Benign to Likely benign.

Breakthrough Genomics
Classification: Likely benign. Review status: criteria provided, single submitter. Criteria: ACMG Guidelines, 2015. Collection method: not provided. Allele origin: germline. Inheritance: Autosomal recessive inheritance. Affected: yes.